The following is an entry in ClinVar:

NM_017534.6(MYH2):c.3593T>C (p.Leu1198Pro)

Genes: MYH2 (myosin heavy chain 2; minus strand), MYHAS (myosin heavy chain gene cluster antisense RNA; plus strand). Cytogenetic location: 17p13.1.
Variant type: single nucleotide variant.
Coding change: c.3593T>C on transcript NM_017534.6 (MANE Select); coding-DNA position 3593, T replaced by C.
Protein change: p.Leu1198Pro; replaces leucine 1198 with proline.
Molecular consequence: missense variant.
Genome position (GRCh38, 1-based): chr17:10,528,841, A>G on the plus strand (T>C on the coding strand, the complement: MYH2 is on the minus strand). VCF-style: chr17-10528841-A-G. GRCh37 (hg19) VCF-style: chr17-10432158-A-G.
Other names: c.3593T>C, p.Leu1198Pro (NM_001100112.2); short protein forms L1198P.
Identifiers: ClinVar variation 4742825 (VCV004742825.1).

ClinVar aggregate classification (germline): Uncertain significance (1 of 4 stars; one submission).

Conditions:
Myopathy, proximal, and ophthalmoplegia (CMYO6). Also called: INCLUSION BODY MYOPATHY 3, AUTOSOMAL DOMINANT; CONGENITAL MYOPATHY 6 WITH OPHTHALMOPLEGIA; MYOPATHY WITH CONGENITAL JOINT CONTRACTURES, OPHTHALMOPLEGIA, AND RIMMED VACUOLES. Identifiers: Orphanet 363677, Orphanet 79091, MedGen C1854106, MONDO:0011577, OMIM 605637.

Submission:

Labcorp Genetics (formerly Invitae), Labcorp
Classification: Uncertain significance for Myopathy, proximal, and ophthalmoplegia. Last evaluated: 2025-06-11. Review status: criteria provided, single submitter. Criteria: Invitae Variant Classification Sherloc (09022015). Collection method: clinical testing. Allele origin: germline.
Comment: This sequence change replaces leucine, which is neutral and non-polar, with proline, which is neutral and non-polar, at codon 1198 of the MYH2 protein (p.Leu1198Pro). This variant is not present in population databases (gnomAD no frequency). This variant has not been reported in the literature in individuals affected with MYH2-related conditions. Invitae Evidence Modeling of protein sequence and biophysical properties (such as structural, functional, and spatial information, amino acid conservation, physicochemical variation, residue mobility, and thermodynamic stability) indicates that this missense variant is expected to disrupt MYH2 protein function with a positive predictive value of 80%. In summary, the available evidence is currently insufficient to determine the role of this variant in disease. Therefore, it has been classified as a Variant of Uncertain Significance.